The following is an entry in ClinVar:

NM_014017.4(LAMTOR2):c.338A>G (p.Gln113Arg)

Gene: LAMTOR2 (late endosomal/lysosomal adaptor, MAPK and MTOR activator 2; plus strand). Cytogenetic location: 1q22.
Variant type: single nucleotide variant.
Coding change: c.338A>G on transcript NM_014017.4 (MANE Select); coding-DNA position 338, A replaced by G.
Protein change: p.Gln113Arg; replaces glutamine 113 with arginine.
Molecular consequence: missense variant.
Genome position (GRCh38, 1-based): chr1:156,058,331, A>G. VCF-style: chr1-156058331-A-G. GRCh37 (hg19) VCF-style: chr1-156028122-A-G.
Other names: c.248A>G, p.Gln83Arg (NM_001145264.2); short protein forms Q113R, Q83R.
Identifiers: ClinVar variation 2119496 (VCV002119496.4), dbSNP rs1416963143, ClinGen allele CA342816492.

ClinVar aggregate classification (germline): Uncertain significance (1 of 4 stars; one submission).

Allele frequency attached by ClinVar (database versions not stated): gnomAD exomes below 0.00001; TOPMed below 0.00001; gnomAD 0.00001.
gnomAD v4.1: 5 of 1,613,972 alleles (0.00031%); highest among the groups gnomAD compares: African/African-American, 0.0067%; no homozygotes.

Submission:

Labcorp Genetics (formerly Invitae), Labcorp
Classification: Uncertain significance. Last evaluated: 2022-04-20. Review status: criteria provided, single submitter. Criteria: Invitae Variant Classification Sherloc (09022015). Collection method: clinical testing. Allele origin: germline.
Comment: In summary, the available evidence is currently insufficient to determine the role of this variant in disease. Therefore, it has been classified as a Variant of Uncertain Significance. Algorithms developed to predict the effect of missense changes on protein structure and function (SIFT, PolyPhen-2, Align-GVGD) all suggest that this variant is likely to be tolerated. This variant has not been reported in the literature in individuals affected with LAMTOR2-related conditions. This variant is present in population databases (no rsID available, gnomAD 0.007%). This sequence change replaces glutamine, which is neutral and polar, with arginine, which is basic and polar, at codon 113 of the LAMTOR2 protein (p.Gln113Arg).